The following is an entry in ClinVar:

ClinVar aggregate classification (germline): Uncertain significance (1 of 4 stars; one submission).

gnomAD v4.1: 4 of 1,211,026 alleles (0.00033%); highest among the groups gnomAD compares: Non-Finnish European, 0.00045%; no homozygotes.

Submission:

GeneDx
Classification: Uncertain significance. Last evaluated: 2025-05-30. Review status: criteria provided, single submitter. Criteria: GeneDx Variant Classification Process June 2021. Collection method: clinical testing. Allele origin: germline.
Comment: Not observed at significant frequency in large population cohorts (gnomAD); In silico analysis supports that this missense variant has a deleterious effect on protein structure/function; Has not been previously published as pathogenic or benign to our knowledge

NM_001008537.3(NEXMIF):c.1876C>T (p.Arg626Cys)

Gene: NEXMIF (neurite extension and migration factor; minus strand). Cytogenetic location: Xq13.3.
Variant type: single nucleotide variant.
Coding change: c.1876C>T on transcript NM_001008537.3 (MANE Select); coding-DNA position 1876, C replaced by T.
Protein change: p.Arg626Cys; replaces arginine 626 with cysteine.
Molecular consequence: missense variant.
Genome position (GRCh38, 1-based): chrX:74,742,681, G>A on the plus strand (C>T on the coding strand, the complement: NEXMIF is on the minus strand). VCF-style: chrX-74742681-G-A. GRCh37 (hg19) VCF-style: chrX-73962516-G-A.
Other names: short protein forms R626C.
Identifiers: ClinVar variation 3767464 (VCV003767464.2).